The following is an entry in ClinVar:

ClinVar aggregate classification (germline): Uncertain significance (1 of 4 stars; one submission).

Conditions:
RASopathy. Also called: rasopathies; Noonan spectrum disorder. Identifiers: Orphanet 536391, MedGen C5555857, MONDO:0021060.

Submission:

Labcorp Genetics (formerly Invitae), Labcorp
Classification: Uncertain significance for RASopathy. Last evaluated: 2025-07-09. Review status: criteria provided, single submitter. Criteria: Invitae Variant Classification Sherloc (09022015). Collection method: clinical testing. Allele origin: germline.
Comment: This sequence change replaces phenylalanine, which is neutral and non-polar, with leucine, which is neutral and non-polar, at codon 36 of the RAF1 protein (p.Phe36Leu). This variant is not present in population databases (gnomAD no frequency). This variant has not been reported in the literature in individuals affected with RAF1-related conditions. Invitae Evidence Modeling of protein sequence and biophysical properties (such as structural, functional, and spatial information, amino acid conservation, physicochemical variation, residue mobility, and thermodynamic stability) indicates that this missense variant is not expected to disrupt RAF1 protein function with a negative predictive value of 95%. In summary, the available evidence is currently insufficient to determine the role of this variant in disease. Therefore, it has been classified as a Variant of Uncertain Significance.

NM_002880.4(RAF1):c.108T>G (p.Phe36Leu)

Gene: RAF1 (Raf-1 proto-oncogene, serine/threonine kinase; minus strand). Cytogenetic location: 3p25.2.
Variant type: single nucleotide variant.
Coding change: c.108T>G on transcript NM_002880.4 (MANE Select); coding-DNA position 108, T replaced by G.
Protein change: p.Phe36Leu; replaces phenylalanine 36 with leucine.
Molecular consequence: missense variant. On other transcripts: 5 prime UTR variant (4), non-coding transcript variant (3).
Genome position (GRCh38, 1-based): chr3:12,618,614, A>C on the plus strand (T>G on the coding strand, the complement: RAF1 is on the minus strand). VCF-style: chr3-12618614-A-C. GRCh37 (hg19) VCF-style: chr3-12660113-A-C.
Other names: c.108T>G, p.Phe36Leu (NM_001354689.3, NM_001354690.3, NM_001354693.3); c.-23T>G (NM_001354691.3, NM_001354692.3, NM_001354694.3 and 1 more transcripts); short protein forms F36L.
Identifiers: ClinVar variation 4801598 (VCV004801598.1).